The following is an entry in ClinVar:

NM_022114.4(PRDM16):c.2786C>A (p.Pro929His)

Gene: PRDM16 (PR/SET domain 16; plus strand). Cytogenetic location: 1p36.32.
Variant type: single nucleotide variant.
Coding change: c.2786C>A on transcript NM_022114.4 (MANE Select); coding-DNA position 2786, C replaced by A.
Protein change: p.Pro929His; replaces proline 929 with histidine.
Molecular consequence: missense variant.
Genome position (GRCh38, 1-based): chr1:3,417,922, C>A. VCF-style: chr1-3417922-C-A. GRCh37 (hg19) VCF-style: chr1-3334486-C-A.
Other names: c.2786C>A, p.Pro929His (NM_199454.3); short protein forms P929H.
Identifiers: ClinVar variation 229165 (VCV000229165.19), dbSNP rs145632008, ClinGen allele CA544606.
Genomic context (GRCh38, chr1:3,417,922, plus strand): 5'-AGAGCTTTGCAGCCATGAAGGCGGACTCGGGCAGCTCCCTGCAGCCCCTCCCCCACCACC[C>A]CTTCAACTTCCGGTCCCCACCCCCAACGCTCTCCGACCCCATCCTCAGGAAGGGCAAGGA-3'
Protein context (NP_071397.3, residues 919-939): GSSLQPLPHH[Pro929His]FNFRSPPPTL

ClinVar aggregate classification (germline): Conflicting classifications of pathogenicity. Review status: criteria provided, conflicting classifications (1 of 4 stars). 6 submissions from 6 submitters: Uncertain significance (1); Likely benign (4). 1 of the submissions does not count toward it. Last evaluated 2026-01-12.

Conditions:
PRDM16-related disorder. Also called: PRDM16-related condition.
Left ventricular noncompaction 8 (LVNC8). Identifiers: Orphanet 154, Orphanet 54260, MedGen C3809288, MONDO:0014152, OMIM 615373.

Allele frequency attached by ClinVar (database versions not stated): ExAC 0.00013; gnomAD exomes 0.00013; 1000 Genomes Project 30x 0.00016; 1000 Genomes Project 0.00020; ESP Exome Variant Server 0.00033; gnomAD 0.00059 and 0.00063; TOPMed 0.00061.
gnomAD v4.1: 175 of 1,612,464 alleles (0.011%); highest among the groups gnomAD compares: African/African-American, 0.19%; no homozygotes.

Submissions (6):

Labcorp Genetics (formerly Invitae), Labcorp
Classification: Likely benign for Left ventricular noncompaction 8. Last evaluated: 2026-01-12. Review status: criteria provided, single submitter. Criteria: Invitae Variant Classification Sherloc (09022015). Collection method: clinical testing. Allele origin: germline.

Women's Health and Genetics/Laboratory Corporation of America, LabCorp
Classification: Likely benign. Last evaluated: 2025-10-21. Review status: criteria provided, single submitter. Criteria: LabCorp Variant Classification Summary - May 2015. Collection method: clinical testing. Allele origin: germline.

Blueprint Genetics
Classification: Likely benign. Last evaluated: 2022-10-19. Review status: criteria provided, single submitter. Criteria: ACMG Guidelines, 2015. Collection method: clinical testing. Allele origin: germline.

GeneDx
Classification: Likely benign. Last evaluated: 2021-03-15. Review status: criteria provided, single submitter. Criteria: GeneDx Variant Classification Process June 2021. Collection method: clinical testing. Allele origin: germline. Affected: yes.
Comment: This variant is associated with the following publications: (PMID: 30847666)

Laboratory for Molecular Medicine, Mass General Brigham Personalized Medicine
Classification: Uncertain significance. Last evaluated: 2015-03-21. Review status: criteria provided, single submitter. Criteria: LMM Criteria. Collection method: clinical testing. Allele origin: germline. Observed: 1 variant allele.
Comment: Variant classified as Uncertain Significance - Favor Benign. The p.Pro929His var iant in PRDM16 has not been previously identified in individuals with cardiomyop athy, but has been identified in 0.2% (15/9670) of African chromosomes by the Ex ome Aggregation Consortium (ExAC; dbSNP rs145632 008). Computational prediction tools and conservation analysis suggest that the variant may impact the protein, though this information is not predictive enough to determine pathogenicity. In summary, while the clinical significance of the p.Pro929His variant is uncertain, its frequency suggests that it is more likely to be benign.

PreventionGenetics, part of Exact Sciences
Classification: Likely benign for PRDM16-related condition. Last evaluated: 2022-05-16. Review status: no assertion criteria provided. Collection method: clinical testing. Allele origin: germline. Not counted in ClinVar's aggregate classification.
Comment: This variant is classified as likely benign based on ACMG/AMP sequence variant interpretation guidelines (Richards et al. 2015 PMID: 25741868, with internal and published modifications).